The following is an entry in ClinVar:

NM_001845.6(COL4A1):c.955C>A (p.Gln319Lys)

Gene: COL4A1 (collagen type IV alpha 1 chain; minus strand). Cytogenetic location: 13q34.
Variant type: single nucleotide variant.
Coding change: c.955C>A on transcript NM_001845.6 (MANE Select); coding-DNA position 955, C replaced by A.
Protein change: p.Gln319Lys; replaces glutamine 319 with lysine.
Molecular consequence: missense variant.
Genome position (GRCh38, 1-based): chr13:110,205,355, G>T on the plus strand (C>A on the coding strand, the complement: COL4A1 is on the minus strand). VCF-style: chr13-110205355-G-T. GRCh37 (hg19) VCF-style: chr13-110857702-G-T.
Other names: c.955C>A, p.Gln319Lys (NM_001303110.2); short protein forms Q319K.
Identifiers: ClinVar variation 4085272 (VCV004085272.9).

ClinVar aggregate classification (germline): Uncertain significance. Review status: criteria provided, multiple submitters, no conflicts (2 of 4 stars). 2 submissions from 2 submitters: Uncertain significance (2). Last evaluated 2025-08-24.

gnomAD v4.1: 1 of 1,614,042 alleles (0.000062%); highest among the groups gnomAD compares: Non-Finnish European, 0.000085%; no homozygotes.

Submissions (2):

Labcorp Genetics (formerly Invitae), Labcorp
Classification: Uncertain significance. Last evaluated: 2025-08-24. Review status: criteria provided, single submitter. Criteria: Invitae Variant Classification Sherloc (09022015). Collection method: clinical testing. Allele origin: germline.
Comment: This sequence change replaces glutamine, which is neutral and polar, with lysine, which is basic and polar, at codon 319 of the COL4A1 protein (p.Gln319Lys). This variant is present in population databases (no rsID available, gnomAD 0.0009%). This variant has not been reported in the literature in individuals affected with COL4A1-related conditions. An algorithm developed to predict the effect of missense changes on protein structure and function outputs the following: PolyPhen-2: "Not Available". The lysine amino acid residue is found in multiple mammalian species, which suggests that this missense change does not adversely affect protein function. In summary, the available evidence is currently insufficient to determine the role of this variant in disease. Therefore, it has been classified as a Variant of Uncertain Significance.

CeGaT Center for Human Genetics Tuebingen
Classification: Uncertain significance. Last evaluated: 2025-06-01. Review status: criteria provided, single submitter. Criteria: CeGaT Center For Human Genetics Tuebingen Variant Classification Criteria Version 2. Collection method: clinical testing. Allele origin: germline. Affected: yes. Observed: 1 variant allele.
Comment: COL4A1: PM2, BP4